The following is an entry in ClinVar:

ClinVar aggregate classification (germline): Conflicting classifications of pathogenicity. Review status: criteria provided, conflicting classifications (1 of 4 stars). 7 submissions from 7 submitters: Uncertain significance (2); Likely benign (3). 2 of the submissions do not count toward it. Last evaluated 2026-04-01.

Conditions:
TREM2-related disorder. Also called: TREM2-related condition.
Polycystic lipomembranous osteodysplasia with sclerosing leukoencephalopathy 2. Also called: TREM2-Related Polycystic Lipomembranous Osteodysplasia with Sclerosing Leukoencephalopathy. Identifiers: MedGen C4748657, MONDO:0020750, OMIM 618193.
Polycystic lipomembranous osteodysplasia with sclerosing leukoencephalopathy 1 (PLOSL1). Also called: TYROBP-Related Polycystic Lipomembranous Osteodysplasia with Sclerosing Leukoencephalopathy. Identifiers: Orphanet 2770, MedGen C4721893, MONDO:0020749, OMIM 221770.

Allele frequency attached by ClinVar (database versions not stated): 1000 Genomes Project 0.00060; 1000 Genomes Project 30x 0.00062; gnomAD exomes 0.00084 and 0.00120; gnomAD 0.00090 and 0.00095; TOPMed 0.00096; ExAC 0.00102; ESP Exome Variant Server 0.00131.
gnomAD v4.1: 1,863 of 1,613,784 alleles (0.12%); highest among the groups gnomAD compares: Non-Finnish European, 0.15%; 3 homozygotes.

Submissions (7):

CeGaT Center for Human Genetics Tuebingen
Classification: Likely benign. Last evaluated: 2026-04-01. Review status: criteria provided, single submitter. Criteria: CeGaT Center For Human Genetics Tuebingen Variant Classification Criteria Version 2. Collection method: clinical testing. Allele origin: germline. Affected: yes. Observed: 5 variant alleles.
Comment: TREM2: BP4, BP7

Labcorp Genetics (formerly Invitae), Labcorp
Classification: Likely benign. Last evaluated: 2026-01-26. Review status: criteria provided, single submitter. Criteria: Invitae Variant Classification Sherloc (09022015). Collection method: clinical testing. Allele origin: germline.

Illumina Laboratory Services, Illumina
Classification: Uncertain significance for Polycystic lipomembranous osteodysplasia with sclerosing leukoencephalopathy 2. Last evaluated: 2018-01-13. Review status: criteria provided, single submitter. Criteria: ICSL Variant Classification Criteria 13 December 2019. Collection method: clinical testing. Allele origin: germline.

Eurofins Ntd Llc (ga)
Classification: Uncertain significance. Last evaluated: 2016-08-31. Review status: criteria provided, single submitter. Criteria: EGL Classification Definitions 2015. Collection method: clinical testing. Allele origin: germline. Observed: 2 variant alleles, 2 heterozygotes.

Clinical Genetics DNA and cytogenetics Diagnostics Lab, Erasmus MC, Erasmus Medical Center
Classification: Likely benign for Polycystic lipomembranous osteodysplasia with sclerosing leukoencephalopathy 1. Last evaluated: 2015-09-21. Review status: criteria provided, single submitter. Criteria: ACGS Guidelines, 2013. Collection method: clinical testing. Allele origin: germline. Affected: yes. Study: VKGL Data-share Consensus.

PreventionGenetics, part of Exact Sciences
Classification: Likely benign for TREM2-related condition. Last evaluated: 2020-07-29. Review status: no assertion criteria provided. Collection method: clinical testing. Allele origin: germline. Not counted in ClinVar's aggregate classification.
Comment: This variant is classified as likely benign based on ACMG/AMP sequence variant interpretation guidelines (Richards et al. 2015 PMID: 25741868, with internal and published modifications).

Genome Diagnostics Laboratory, Amsterdam University Medical Center
Classification: Likely benign for Polycystic lipomembranous osteodysplasia with sclerosing leukoencephalopathy 1. Last evaluated: 2017-08-01. Review status: no assertion criteria provided. Criteria: ACGS Guidelines, 2013. Collection method: clinical testing. Allele origin: germline. Affected: yes. Study: VKGL Data-share Consensus. Not counted in ClinVar's aggregate classification.

NM_018965.4(TREM2):c.399G>T (p.Leu133=)

Gene: TREM2 (triggering receptor expressed on myeloid cells 2; minus strand). Cytogenetic location: 6p21.1.
Variant type: single nucleotide variant.
Coding change: c.399G>T on transcript NM_018965.4 (MANE Select); coding-DNA position 399, G replaced by T.
Protein change: p.Leu133=; no amino-acid change (leucine 133 retained).
Molecular consequence: synonymous variant.
Genome position (GRCh38, 1-based): chr6:41,159,875, C>A on the plus strand (G>T on the coding strand, the complement: TREM2 is on the minus strand). VCF-style: chr6-41159875-C-A. GRCh37 (hg19) VCF-style: chr6-41127613-C-A.
Other names: c.399G>T, p.Leu133= (NM_001271821.2).
Identifiers: ClinVar variation 290058 (VCV000290058.54), dbSNP rs144250872, ClinGen allele CA3798892.